The following is an entry in ClinVar:

NM_000051.4(ATM):c.695T>G (p.Ile232Ser)

Gene: ATM (ATM serine/threonine kinase; plus strand). Cytogenetic location: 11q22.3.
Variant type: single nucleotide variant.
Coding change: c.695T>G on transcript NM_000051.4 (MANE Select); coding-DNA position 695, T replaced by G.
Protein change: p.Ile232Ser; replaces isoleucine 232 with serine.
Molecular consequence: missense variant.
Genome position (GRCh38, 1-based): chr11:108,244,820, T>G. VCF-style: chr11-108244820-T-G. GRCh37 (hg19) VCF-style: chr11-108115547-T-G.
Other names: c.695T>G, p.Ile232Ser (NM_001351834.2); short protein forms I232S.
Identifiers: ClinVar variation 232087 (VCV000232087.16), dbSNP rs786203502, ClinGen allele CA10578971.

ClinVar aggregate classification (germline): Uncertain significance. Review status: criteria provided, multiple submitters, no conflicts (2 of 4 stars). 3 submissions from 3 submitters: Uncertain significance (3). Last evaluated 2025-12-02.

Conditions:
Hereditary cancer-predisposing syndrome. Also called: Hereditary Cancer Syndrome; Neoplastic Syndromes, Hereditary; Tumor predisposition; Hereditary neoplastic syndrome. Identifiers: Orphanet 140162, MedGen C0027672, MeSH D009386, MONDO:0015356.
Ataxia-telangiectasia syndrome (AT). Also called: Ataxia telangiectasia (A-T); Ataxia-telangiectasia, complementation group E; LOUIS-BAR SYNDROME; Cerebello-oculocutaneous telangiectasia; Immunodeficiency with ataxia telangiectasia; Ataxia-telangiectasia, complementation group D. Identifiers: Orphanet 100, MedGen C0004135, MONDO:0008840, OMIM 208900.

Allele frequency attached by ClinVar (database versions not stated): gnomAD exomes below 0.00001.
gnomAD v4.1: 3 of 1,613,872 alleles (0.00019%); highest among the groups gnomAD compares: Non-Finnish European, 0.00025%; no homozygotes.

Submissions (3):

Labcorp Genetics (formerly Invitae), Labcorp
Classification: Uncertain significance for Ataxia-telangiectasia syndrome. Last evaluated: 2025-12-02. Review status: criteria provided, single submitter. Criteria: Invitae Variant Classification Sherloc (09022015). Collection method: clinical testing. Allele origin: germline.
Comment: This sequence change replaces isoleucine, which is neutral and non-polar, with serine, which is neutral and polar, at codon 232 of the ATM protein (p.Ile232Ser). This variant is not present in population databases (gnomAD no frequency). This variant has not been reported in the literature in individuals affected with ATM-related conditions. ClinVar contains an entry for this variant (Variation ID: 232087). Invitae Evidence Modeling of protein sequence and biophysical properties (such as structural, functional, and spatial information, amino acid conservation, physicochemical variation, residue mobility, and thermodynamic stability) indicates that this missense variant is not expected to disrupt ATM protein function with a negative predictive value of 95%. In summary, the available evidence is currently insufficient to determine the role of this variant in disease. Therefore, it has been classified as a Variant of Uncertain Significance.

Color Diagnostics, LLC DBA Color Health
Classification: Uncertain significance for Hereditary cancer-predisposing syndrome. Last evaluated: 2024-03-06. Review status: criteria provided, single submitter. Criteria: ACMG Guidelines, 2015. Collection method: clinical testing. Allele origin: germline.
Comment: This missense variant replaces isoleucine with serine at codon 232 of the ATM protein. Computational prediction suggests that this variant may not impact protein structure and function (internally defined REVEL score threshold <= 0.5, PMID: 27666373). To our knowledge, functional studies have not been reported for this variant. This variant has not been reported in individuals affected with hereditary cancer in the literature. This variant has not been identified in the general population by the Genome Aggregation Database (gnomAD). The available evidence is insufficient to determine the role of this variant in disease conclusively. Therefore, this variant is classified as a Variant of Uncertain Significance.

Ambry Genetics
Classification: Uncertain significance for Hereditary cancer-predisposing syndrome. Last evaluated: 2023-08-07. Review status: criteria provided, single submitter. Criteria: Ambry Variant Classification Scheme 2023. Collection method: clinical testing. Allele origin: germline.
Comment: The p.I232S variant (also known as c.695T>G), located in coding exon 6 of the ATM gene, results from a T to G substitution at nucleotide position 695. The isoleucine at codon 232 is replaced by serine, an amino acid with dissimilar properties. This amino acid position is not well conserved in available vertebrate species. In addition, the in silico prediction for this alteration is inconclusive. Since supporting evidence is limited at this time, the clinical significance of this alteration remains unclear.